The following is an entry in ClinVar:

ClinVar aggregate classification (germline): Uncertain significance. Review status: criteria provided, multiple submitters, no conflicts (2 of 4 stars). 2 submissions from 2 submitters: Uncertain significance (2). Last evaluated 2024-08-13.

Allele frequency attached by ClinVar (database versions not stated): gnomAD 0.00001 and 0.00003; TOPMed 0.00004; ESP Exome Variant Server 0.00008; gnomAD exomes 0.00008 and 0.00016; 1000 Genomes Project 30x 0.00016; 1000 Genomes Project 0.00020.
gnomAD v4.1: 124 of 1,614,246 alleles (0.0077%); highest among the groups gnomAD compares: Middle Eastern, 0.13%; 1 homozygote.

Submissions (2):

Athena Diagnostics
Classification: Uncertain significance. Last evaluated: 2024-08-13. Review status: criteria provided, single submitter. Criteria: Athena Diagnostics Criteria. Collection method: clinical testing. Allele origin: unknown.
Comment: Available data are insufficient to determine the clinical significance of the variant at this time. The frequency of this variant in the general population is higher than would generally be expected for pathogenic variants in this gene. Polyphen and MutationTaster predict this amino acid change may be benign.

Labcorp Genetics (formerly Invitae), Labcorp
Classification: Uncertain significance. Last evaluated: 2022-06-27. Review status: criteria provided, single submitter. Criteria: Invitae Variant Classification Sherloc (09022015). Collection method: clinical testing. Allele origin: germline.
Comment: This sequence change replaces lysine, which is basic and polar, with threonine, which is neutral and polar, at codon 548 of the MTPAP protein (p.Lys548Thr). This variant is present in population databases (rs372986653, gnomAD 0.09%). This variant has not been reported in the literature in individuals affected with MTPAP-related conditions. ClinVar contains an entry for this variant (Variation ID: 447742). Algorithms developed to predict the effect of missense changes on protein structure and function (SIFT, PolyPhen-2, Align-GVGD) all suggest that this variant is likely to be tolerated. In summary, the available evidence is currently insufficient to determine the role of this variant in disease. Therefore, it has been classified as a Variant of Uncertain Significance.

Literature cited by the submitters: PubMed 36012502 (cited by Athena Diagnostics); PubMed 24123366 (cited by Athena Diagnostics).

NM_018109.4(MTPAP):c.1643A>C (p.Lys548Thr)

Gene: MTPAP (mitochondrial poly(A) polymerase; minus strand). Cytogenetic location: 10p11.23.
Variant type: single nucleotide variant.
Coding change: c.1643A>C on transcript NM_018109.4 (MANE Select); coding-DNA position 1643, A replaced by C.
Protein change: p.Lys548Thr; replaces lysine 548 with threonine.
Molecular consequence: missense variant.
Genome position (GRCh38, 1-based): chr10:30,313,715, T>G on the plus strand (A>C on the coding strand, the complement: MTPAP is on the minus strand). VCF-style: chr10-30313715-T-G. GRCh37 (hg19) VCF-style: chr10-30602644-T-G.
Other names: short protein forms K548T.
Identifiers: ClinVar variation 447742 (VCV000447742.5), dbSNP rs372986653, ClinGen allele CA5458912.